The following is an entry in ClinVar:

NM_000138.5(FBN1):c.7132T>C (p.Cys2378Arg)

Gene: FBN1 (fibrillin 1; minus strand). Cytogenetic location: 15q21.1.
Variant type: single nucleotide variant.
Coding change: c.7132T>C on transcript NM_000138.5 (MANE Select); coding-DNA position 7132, T replaced by C.
Protein change: p.Cys2378Arg; replaces cysteine 2378 with arginine.
Molecular consequence: missense variant.
Genome position (GRCh38, 1-based): chr15:48,427,639, A>G on the plus strand (T>C on the coding strand, the complement: FBN1 is on the minus strand). VCF-style: chr15-48427639-A-G. GRCh37 (hg19) VCF-style: chr15-48719836-A-G.
Other names: p.C2378R:TGC>CGC; short protein forms C2378R.
Identifiers: ClinVar variation 200107 (VCV000200107.2), dbSNP rs794728267, ClinGen allele CA017030.

ClinVar aggregate classification (germline): Likely pathogenic (1 of 4 stars; one submission).

Submission:

GeneDx
Classification: Likely pathogenic. Last evaluated: 2018-01-30. Review status: criteria provided, single submitter. Criteria: GeneDx Variant Classification (06012015). Collection method: clinical testing. Allele origin: germline. Affected: yes.
Comment: The C2378R variant in the FBN1 gene has not been reported previously as a pathogenic variant, nor as a benign variant, to our knowledge. This variant is not observed in large population cohorts (Lek et al., 2016). The C2378R variant is a non-conservative amino acid substitution, which is likely to impact secondary protein structure as it results in the removal of a Cysteine residue in the TB 9 domain that is critical to disulfide bonding. In-silico analyses, including protein predictors and evolutionary conservation, support a deleterious effect. We interpret C2378R as a likely pathogenic variant.